The following is an entry in ClinVar:

NM_015021.3(ZNF292):c.7456_7457del (p.Glu2486fs)

Gene: ZNF292 (zinc finger protein 292; plus strand). Cytogenetic location: 6q14.3.
Variant type: Deletion.
Coding change: c.7456_7457del on transcript NM_015021.3 (MANE Select); coding-DNA positions 7456 to 7457, 2 bases deleted (GA; older notation c.7456_7457delGA).
Protein change: p.Glu2486fs; shifts the reading frame from glutamic acid 2486.
Molecular consequence: frameshift variant.
Genome position (GRCh38, 1-based): chr6:87,261,085-87,261,086, GA deleted; deleting any 2 consecutive bases within chr6:87,261,084-87,261,086 gives the same sequence; the c. name uses the placement nearest the transcript's 3' end. VCF-style (leftmost placement, unchanged base first): chr6-87261083-CAG-C. GRCh37 (hg19) VCF-style: chr6-87970801-CAG-C.
Other names: c.7456_7457delGA (NM_015021.3); c.7036_7037del, p.Glu2346fs (NM_001351444.2); short protein forms E2346fs, E2486fs.
Identifiers: ClinVar variation 4536763 (VCV004536763.1).
Genomic context (GRCh38, chr6:87,261,083, plus strand): 5'-CAGCTACAGTTTCACAAAAGGAAGTTGAAAAAAATGAAAAAGATGAAATGGATGAACTAA[CAG>C]AATTGTTTATTACAAAATTAATAAATGAAGATAGCACAAGTGTAGAGACCCAAGCTAATA-3'

ClinVar aggregate classification (germline): Uncertain significance (1 of 4 stars; one submission).

Submission:

Women's Health and Genetics/Laboratory Corporation of America, LabCorp
Classification: Uncertain significance. Last evaluated: 2025-11-13. Review status: criteria provided, single submitter. Criteria: LabCorp Variant Classification Summary - May 2015. Collection method: clinical testing. Allele origin: germline.
Comment: Variant summary: ZNF292 c.7456_7457delGA (p.Glu2486IlefsX9) results in a premature termination codon, predicted to cause a truncation of the encoded protein or absence of the protein, which are commonly known mechanisms for disease. Variants downstream of this position have not been classified Pathogenic in ClinVar or by our lab. The variant was absent in 240440 control chromosomes. The available data on variant occurrences in the general population are insufficient to allow any conclusion about variant significance. To our knowledge, no occurrence of c.7456_7457delGA in individuals affected with ZNF292-related conditions and no experimental evidence demonstrating its impact on protein function have been reported. No submitters have cited clinical-significance assessments for this variant to ClinVar. Based on the evidence outlined above, the variant was classified as uncertain significance.